The following is an entry in ClinVar:

ClinVar aggregate classification (germline): Pathogenic/Likely pathogenic. Review status: criteria provided, multiple submitters, no conflicts (2 of 4 stars). 5 submissions from 5 submitters: Pathogenic (1); Likely pathogenic (4). Last evaluated 2025-09-24.

Conditions:
Pontocerebellar hypoplasia type 6 (PCH6). Identifiers: Orphanet 166073, MedGen C1969084, MONDO:0012683, OMIM 611523.

Submissions (5):

Natera, Inc.
Classification: Likely pathogenic for Pontocerebellar hypoplasia, type 6. Last evaluated: 2025-09-24. Review status: criteria provided, single submitter. Criteria: Natera Variant Classification Schema (03/2026). Collection method: clinical testing. Allele origin: germline.
Comment: The c.1340_1365delTCAGCTGGGATCGTGTTTTCCAGAGT variant in RARS2 is a frameshift variant predicted to shift the reading frame beginning at codon 447 and leads to a stop codon 29 codons downstream. This variant is expected to result in nonsense mediated decay, truncation, or a dysfunctional protein product. This variant is rare in the general population with a frequency below the threshold expected for the associated phenotype(s). Given the available evidence, this variant is classified as Likely Pathogenic.

Fulgent Genetics
Classification: Likely pathogenic for Pontocerebellar hypoplasia type 6. Last evaluated: 2024-04-19. Review status: criteria provided, single submitter. Criteria: ACMG Guidelines, 2015. Collection method: clinical testing. Allele origin: germline.

Baylor Genetics
Classification: Likely pathogenic for Pontocerebellar hypoplasia type 6. Last evaluated: 2023-10-23. Review status: criteria provided, single submitter. Criteria: ACMG Guidelines, 2015. Collection method: clinical testing. Allele origin: unknown.

Labcorp Genetics (formerly Invitae), Labcorp
Classification: Pathogenic. Last evaluated: 2023-09-21. Review status: criteria provided, single submitter. Criteria: Invitae Variant Classification Sherloc (09022015). Collection method: clinical testing. Allele origin: germline.
Comment: This sequence change creates a premature translational stop signal (p.Phe447Serfs*29) in the RARS2 gene. It is expected to result in an absent or disrupted protein product. Loss-of-function variants in RARS2 are known to be pathogenic (PMID: 17847012, 22569581, 26083569). This variant is present in population databases (no rsID available, gnomAD 0.003%). This variant has not been reported in the literature in individuals affected with RARS2-related conditions. ClinVar contains an entry for this variant (Variation ID: 421326). For these reasons, this variant has been classified as Pathogenic.

GeneDx
Classification: Likely pathogenic. Last evaluated: 2016-05-23. Review status: criteria provided, single submitter. Criteria: GeneDx Variant Classification (06012015). Collection method: clinical testing. Allele origin: germline. Affected: yes.
Comment: The c.1340_1365del26 variant in the RARS2 gene has not been observed in approximately 6,500 individuals of European and African American ancestry in the NHLBI Exome Sequencing Project, indicating it is not a common benign variant in these populations. The c.1340_1365del26 variant causes a frameshift starting with codon Phenylalanine 447, changes the amino acid to a Serine residue and creates a premature Stop codon at position 29 of the new reading frame, denoted p.F447SfsX29. This variant is predicted to cause loss of normal protein function through protein truncation or nonsense-mediated mRNA decay. Although this variant has not been reported previously to our knowledge, other frameshift and loss of function variants downstream of this position have been reported in the Human Gene Mutation Database in association with RARS2-related disorders (Stenson et al., 2014). Therefore, this variant is likely pathogenic; however the possibility that it is benign cannot be excluded.

Literature cited by the submitters: PubMed 17847012 (cited by Labcorp Genetics (formerly Invitae), Labcorp); PubMed 22569581 (cited by Labcorp Genetics (formerly Invitae), Labcorp); PubMed 26083569 (cited by Labcorp Genetics (formerly Invitae), Labcorp).

NM_020320.5(RARS2):c.1340_1365del (p.Phe447fs)

Gene: RARS2 (arginyl-tRNA synthetase 2, mitochondrial; minus strand). Cytogenetic location: 6q15.
Variant type: Deletion.
Coding change: c.1340_1365del on transcript NM_020320.5 (MANE Select); coding-DNA positions 1340 to 1365, 26 bases deleted (TCAGCTGGGATCGTGTTTTCCAGAGT).
Protein change: p.Phe447fs; shifts the reading frame from phenylalanine 447.
Molecular consequence: frameshift variant. On other transcripts: non-coding transcript variant (23).
Genome position (GRCh38, 1-based): chr6:87,518,680-87,518,705, ACTCTGGAAAACACGATCCCAGCTGA deleted on the plus strand (TCAGCTGGGATCGTGTTTTCCAGAGT on the coding strand, the reverse complement: RARS2 is on the minus strand); deleting any 26 consecutive bases within chr6:87,518,680-87,518,708 gives the same sequence; the c. name uses the placement nearest the transcript's 3' end. VCF-style (leftmost placement, unchanged base first): chr6-87518679-GACTCTGGAAAACACGATCCCAGCTGA-G. GRCh37 (hg19) VCF-style: chr6-88228397-GACTCTGGAAAACACGATCCCAGCTGA-G.
Other names: c.815_840del, p.Phe272fs (NM_001318785.2, NM_001350506.2, NM_001350507.2 and 4 more transcripts); c.1340_1365del, p.Phe447fs (NM_001350505.2); c.1340_1365delTCAGCTGGGATCGTGTTTTCCAGAGT (NM_020320.4); short protein forms F272fs, F447fs.
Identifiers: ClinVar variation 421326 (VCV000421326.13), dbSNP rs1064795060, ClinGen allele CA16618338.